The following continues an entry in ClinVar:

NM_021971.4(GMPPB):c.79G>C (p.Asp27His)

Gene: GMPPB. ClinVar aggregate classification (germline): Pathogenic/Likely pathogenic. Pathogenic (19); Likely pathogenic (4).

Submissions 12 to 24 of 24:

Women's Health and Genetics/Laboratory Corporation of America, LabCorp
Classification: Pathogenic for GMPPB-Related Disorders. Last evaluated: 2023-07-18. Review status: criteria provided, single submitter. Criteria: LabCorp Variant Classification Summary - May 2015. Collection method: clinical testing. Allele origin: germline.
Comment: Variant summary: GMPPB c.79G>C (p.Asp27His) results in a non-conservative amino acid change located in the Nucleotidyl transferase domain (IPR005835) of the encoded protein sequence. Four of five in-silico tools predict a damaging effect of the variant on protein function. The variant allele was found at a frequency of 0.0007 in 222868 control chromosomes in the gnomAD database, including 1 homozygotes. c.79G>C has been reported in the literature in multiple compound heterozygous individuals affected with GMPPB-Related Limb Girdle Muscular Dystropy (Cabrera-Serrano_2015, Carrs_2013, Jensen_2015) and shown to segregate with disease in multiple families. These data indicate that the variant is very likely to be associated with disease. At least one publication reports experimental evidence evaluating an impact on protein function demonstrating a 50% decrease in enzyme activity when compared to Wildtype (Liu_2021). The following publications have been ascertained in the context of this evaluation (PMID: 25681410, 23768512, 26310427, 35006422). Twelve submitters have cited clinical-significance assessments for this variant to ClinVar after 2014. All submitters classified the variant as pathogenic/likely pathogenic citing overlapping evidence utilized in the context of this evaluation. Based on the evidence outlined above, the variant was classified as pathogenic.

Department of Pathology and Laboratory Medicine, Sinai Health System
Classification: Pathogenic for Muscular dystrophy-dystroglycanopathy (congenital with impaired intellectual development), type B, 14; Autosomal recessive limb-girdle muscular dystrophy type 2T; Muscular dystrophy-dystroglycanopathy (congenital with brain and eye anomalies), type A14. Last evaluated: 2023-06-09. Review status: criteria provided, single submitter. Criteria: ACMG Guidelines, 2015. Collection method: research. Allele origin: germline.

Ambry Genetics
Classification: Pathogenic for Inborn genetic diseases. Last evaluated: 2022-10-25. Review status: criteria provided, single submitter. Criteria: Ambry Variant Classification Scheme 2023. Collection method: clinical testing. Allele origin: germline.
Comment: The c.79G>C (p.D27H) alteration is located in exon 1 (coding exon 1) of the GMPPB gene. This alteration results from a G to C substitution at nucleotide position 79, causing the aspartic acid (D) at amino acid position 27 to be replaced by a histidine (H). Based on data from gnomAD, the C allele has an overall frequency of 0.066% (169/254268) total alleles studied. The highest observed frequency was 0.117% (137/117422) of European (non-Finnish) alleles. This variant segregates with disease in multiple families and has been detected in the homozygous state or in conjunction with a second GMPPB variant in multiple individuals with clinical features of GMPPB-related dystroglycanopathies (Carss, 2013; Bharucha-Goebel, 2015; Cabrera-Serrano, 2015; Jensen, 2015; Belaya, 2015; Oestergaard, 2016; Montagnese, 2017; Balcin, 2017; Astrea, 2018; Sarkozy, 2018; Gonzalez-Perez, 2020; Babi Boovi, 2021). This amino acid position is not well conserved in available vertebrate species. Functional studies indicate this alteration impairs enzymatic activity of GMPPB (Liu, 2021). The in silico prediction for this alteration is inconclusive. Based on the available evidence, this alteration is classified as pathogenic.

MGZ Medical Genetics Center
Classification: Likely pathogenic for Autosomal recessive limb-girdle muscular dystrophy type 2T. Last evaluated: 2022-07-15. Review status: criteria provided, single submitter. Criteria: ACMG Guidelines, 2015. Collection method: clinical testing. Allele origin: germline. Affected: yes. Observed: 3 variant alleles.
Comment: ACMG criteria applied: PM3_STR, PS4_MOD, PM2_SUP, PP1, PP3

GeneDx
Classification: Pathogenic. Last evaluated: 2021-12-20. Review status: criteria provided, single submitter. Criteria: GeneDx Variant Classification Process June 2021. Collection method: clinical testing. Allele origin: germline. Affected: yes.
Comment: In silico analysis supports that this missense variant has a deleterious effect on protein structure/function; This variant is associated with the following publications: (PMID: 34106991, 28433477, 28478914, 28456886, 27259053, 26436962, 23768512, 26310427, 25770200, 25681410, 26133662, 27766311, 27874200, 29363764, 29437916, 27535533, 32528171)

Institute of Medical Genetics and Applied Genomics, University Hospital Tübingen
Classification: Pathogenic. Last evaluated: 2020-10-23. Review status: criteria provided, single submitter. Criteria: ACMG Guidelines, 2015. Collection method: clinical testing. Allele origin: germline. Inheritance: Unknown mechanism. Affected: yes.

Baylor Genetics
Classification: Pathogenic for Muscular dystrophy-dystroglycanopathy (congenital with impaired intellectual development), type B, 14. Last evaluated: 2019-08-27. Review status: criteria provided, single submitter. Criteria: ACMG Guidelines, 2015. Collection method: clinical testing. Allele origin: unknown. Affected: yes.
Comment: This variant was determined to be pathogenic according to ACMG Guidelines, 2015 [PMID:25741868].

Centre for Mendelian Genomics, University Medical Centre Ljubljana
Classification: Likely pathogenic for Autosomal recessive limb-girdle muscular dystrophy type 2T. Last evaluated: 2018-12-04. Review status: criteria provided, single submitter. Criteria: ACMG Guidelines, 2015. Collection method: clinical testing. Allele origin: unknown. Affected: yes.
Comment: This variant was classified as: Likely pathogenic. The following ACMG criteria were applied in classifying this variant: PS1,PP2,PP3.

Fulgent Genetics
Classification: Pathogenic for Muscular dystrophy-dystroglycanopathy (congenital with brain and eye anomalies), type A14; Muscular dystrophy-dystroglycanopathy (congenital with impaired intellectual development), type B, 14; Autosomal recessive limb-girdle muscular dystrophy type 2T. Last evaluated: 2018-10-31. Review status: criteria provided, single submitter. Criteria: ACMG Guidelines, 2015. Collection method: clinical testing. Allele origin: unknown.

Genetic Services Laboratory, University of Chicago
Classification: Pathogenic. Last evaluated: 2018-07-20. Review status: criteria provided, single submitter. Criteria: ACMG Guidelines, 2015. Collection method: clinical testing. Allele origin: germline. Affected: yes.
Comment: DNA sequence analysis of the GMPPB gene demonstrated a sequence change, c.79G>C, that results in an amino acid change, p.Asp27His. This sequence change has been described in the EXAC database with a low population frequency of 0.08% (dbSNP rs142336618). The p.Asp27His change affects a poorly conserved amino acid residue located in a domain of the GMPPB protein that is known to be functional. This pathogenic sequence change has previously been described in a multiple patients with GMPPB-related dystroglycanopathy, and some genotype-phenotype correlation studies suggest that this variant may typically be associated with a limb-girdle muscular dystrophy phenotype (Jensen et al., 2015. Hum Mutat 36(12): 1159-63; Cabrera-Serrano et al., 2015. Brain 138:836-44).

Laboratory for Molecular Medicine, Mass General Brigham Personalized Medicine
Classification: Pathogenic for Muscular dystrophy. Last evaluated: 2017-03-17. Review status: criteria provided, single submitter. Criteria: LMM Criteria. Collection method: clinical testing. Allele origin: germline. Inheritance: Autosomal recessive inheritance. Observed: 3 variant alleles.
Comment: The p.Asp27His variant in GMPPB has been reported in the homozygous or compound heterozygous state in at least 15 individuals with muscular dystrophy, and segre gated with disease in 5 affected relatives from 5 families (Carss 2013, Belaya 2 015, Cabrera-Serrano 2015, Jensen 2015, Montagnese 2016, Oestergaard 2016). It w as also identified in 0.1% (89/64040) of European chromosomes by the Exome Aggre gation Consortium (ExAC; dbSNP rs142336618). Thi s frequency is low enough that it may be consistent with a recessive carrier fre quency, thoughthere is limited prevalence data for the associated disease. In ad dition, the available evidence suggests that it may be associated with a milder course of disease (Jensen 2015, Montagnese 2016). In summary, this variant meets criteria to be classified as pathogenic for limb-girdle muscular dystrophy in a n autosomal recessive manner.

Clinical Genetics Service, Universitary Hospital 12 de Octubre
Classification: Pathogenic for Autosomal recessive limb-girdle muscular dystrophy type 2T. Review status: criteria provided, single submitter. Criteria: ACMG Guidelines, 2015. Collection method: clinical testing. Allele origin: maternal. Affected: yes.

OMIM
Classification: Pathogenic for MUSCULAR DYSTROPHY-DYSTROGLYCANOPATHY (LIMB-GIRDLE), TYPE C, 14. Last evaluated: 2013-07-11. Review status: no assertion criteria provided. Collection method: literature only. Allele origin: germline. Not counted in ClinVar's aggregate classification.

Literature cited by the submitters: PubMed 23768512 (cited by 8 submitters); PubMed 25681410 (cited by 6 submitters); PubMed 25770200 (cited by 3 submitters); PubMed 26133662 (cited by 6 submitters); PubMed 26310427 (cited by 6 submitters); PubMed 34106991 (cited by 3 submitters); PubMed 32115343 (cited by 3billion and Ambry Genetics); PubMed 27766311 (cited by 3 submitters); PubMed 27874200 (cited by 3 submitters); PubMed 28433477 (cited by Mayo Clinic Laboratories, Mayo Clinic); PubMed 28456886 (cited by Mayo Clinic Laboratories, Mayo Clinic); PubMed 28478914 (cited by Mayo Clinic Laboratories, Mayo Clinic and Ambry Genetics); PubMed 29363764 (cited by Mayo Clinic Laboratories, Mayo Clinic); PubMed 29437916 (cited by Mayo Clinic Laboratories, Mayo Clinic and Ambry Genetics); PubMed 30060766 (cited by Mayo Clinic Laboratories, Mayo Clinic); PubMed 30069288 (cited by Mayo Clinic Laboratories, Mayo Clinic); PubMed 30257713 (cited by Mayo Clinic Laboratories, Mayo Clinic and Ambry Genetics); PubMed 35006422 (cited by Women's Health and Genetics/Laboratory Corporation of America, LabCorp and Ambry Genetics); PubMed 27147698 (cited by Laboratory for Molecular Medicine, Mass General Brigham Personalized Medicine).